The following is an entry in ClinVar:

ClinVar aggregate classification (germline): Uncertain significance (1 of 4 stars; one submission).

Submission:

Greenwood Genetic Center Diagnostic Laboratories, Greenwood Genetic Center
Classification: Uncertain significance. Last evaluated: 2025-01-29. Review status: criteria provided, single submitter. Criteria: ACMG Guidelines, 2015. Collection method: clinical testing. Allele origin: germline.
Comment: PM2, PP2

NM_001378974.1(FBXW11):c.1580T>G (p.Ile527Ser)

Gene: FBXW11 (F-box and WD repeat domain containing 11; minus strand). Cytogenetic location: 5q35.1.
Variant type: single nucleotide variant.
Coding change: c.1580T>G on transcript NM_001378974.1 (MANE Select); coding-DNA position 1580, T replaced by G.
Protein change: p.Ile527Ser; replaces isoleucine 527 with serine.
Molecular consequence: missense variant.
Genome position (GRCh38, 1-based): chr5:171,868,747, A>C on the plus strand (T>G on the coding strand, the complement: FBXW11 is on the minus strand). VCF-style: chr5-171868747-A-C. GRCh37 (hg19) VCF-style: chr5-171295751-A-C.
Other names: c.1511T>G, p.Ile504Ser (NM_001378975.1); c.1484T>G, p.Ile495Ser (NM_001378976.1); c.1421T>G, p.Ile474Ser (NM_001378977.1, NM_001378978.1, NM_001378979.1); c.1415T>G, p.Ile472Ser (NM_001378980.1, NM_033645.3); c.1517T>G, p.Ile506Ser (NM_012300.3); c.1478T>G, p.Ile493Ser (NM_033644.3); short protein forms I472S, I474S, I493S, I495S, I504S, I506S, I527S.
Identifiers: ClinVar variation 4851777 (VCV004851777.1).